The following is an entry in ClinVar:

NM_001330700.2(TOP2B):c.3842C>T (p.Ala1281Val)

Gene: TOP2B (DNA topoisomerase II beta; minus strand). Cytogenetic location: 3p24.2.
Variant type: single nucleotide variant.
Coding change: c.3842C>T on transcript NM_001330700.2 (MANE Select); coding-DNA position 3842, C replaced by T.
Protein change: p.Ala1281Val; replaces alanine 1281 with valine.
Molecular consequence: missense variant.
Genome position (GRCh38, 1-based): chr3:25,609,657, G>A on the plus strand (C>T on the coding strand, the complement: TOP2B is on the minus strand). VCF-style: chr3-25609657-G-A. GRCh37 (hg19) VCF-style: chr3-25651148-G-A.
Other names: c.3827C>T, p.Ala1276Val (NM_001068.3); short protein forms A1276V, A1281V.
Identifiers: ClinVar variation 4278733 (VCV004278733.1).

ClinVar aggregate classification (germline): Uncertain significance (1 of 4 stars; one submission).

Submission:

GeneDx
Classification: Uncertain significance. Last evaluated: 2025-04-01. Review status: criteria provided, single submitter. Criteria: GeneDx Variant Classification Process June 2021. Collection method: clinical testing. Allele origin: germline. Affected: yes.
Comment: Not observed at significant frequency in large population cohorts (gnomAD); In silico analysis indicates that this missense variant does not alter protein structure/function; Has not been previously published as pathogenic or benign to our knowledge.